The following is an entry in ClinVar:

ClinVar aggregate classification (germline): Likely benign (1 of 4 stars; one submission).

Submission:

CeGaT Center for Human Genetics Tuebingen
Classification: Likely benign. Last evaluated: 2026-09-01. Review status: criteria provided, single submitter. Criteria: CeGaT Center For Human Genetics Tuebingen Variant Classification Criteria Version 2. Collection method: clinical testing. Allele origin: germline. Affected: yes. Observed: 11 variant alleles.
Comment: IGFN1: BP4, BP7

NM_001164586.2(IGFN1):c.5385A>G (p.Gly1795=)

Gene: IGFN1 (immunoglobulin like and fibronectin type III domain containing 1; plus strand). Cytogenetic location: 1q32.1.
Variant type: single nucleotide variant.
Coding change: c.5385A>G on transcript NM_001164586.2 (MANE Select); coding-DNA position 5385, A replaced by G.
Protein change: p.Gly1795=; no amino-acid change (glycine 1795 retained).
Molecular consequence: synonymous variant. On other transcripts: intron variant (1).
Genome position (GRCh38, 1-based): chr1:201,210,278, A>G. VCF-style: chr1-201210278-A-G. GRCh37 (hg19) VCF-style: chr1-201179406-A-G.
Other names: c.1242-3228A>G (NM_001367841.1).
Identifiers: ClinVar variation 2639755 (VCV002639755.24), dbSNP rs1330700204, ClinGen allele CA422818242.
Genomic context (GRCh38, chr1:201,210,278, plus strand): 5'-GTCAATGGATGAGGCAGGTTATAGGAAGGATTTGTGGGCTCCTGAGGGAATAGGTTCAGG[A>G]AGTAAGGCAGGTTTTAGGGATGGTTTAGGGAGTTCTGTAGAAATGGGGTCAGTGAATGAG-3'
Protein context (NP_001158058.1, residues 1785-1805): DLWAPEGIGS[Gly1795=]SKAGFRDGLG